The following is an entry in ClinVar:

ClinVar aggregate classification (germline): Uncertain significance (1 of 4 stars; one submission).

Submission:

Labcorp Genetics (formerly Invitae), Labcorp
Classification: Uncertain significance. Last evaluated: 2023-06-06. Review status: criteria provided, single submitter. Criteria: Invitae Variant Classification Sherloc (09022015). Collection method: clinical testing. Allele origin: germline.
Comment: In summary, the available evidence is currently insufficient to determine the role of this variant in disease. Therefore, it has been classified as a Variant of Uncertain Significance. Algorithms developed to predict the effect of sequence changes on RNA splicing suggest that this variant may create or strengthen a splice site. This variant has not been reported in the literature in individuals affected with POLE-related conditions. This variant is not present in population databases (gnomAD no frequency). This sequence change falls in intron 9 of the POLE gene. It does not directly change the encoded amino acid sequence of the POLE protein.

NM_006231.4(POLE):c.910-19T>A

Gene: POLE (DNA polymerase epsilon, catalytic subunit; minus strand). Cytogenetic location: 12q24.33.
Variant type: single nucleotide variant.
Coding change: c.910-19T>A on transcript NM_006231.4 (MANE Select); 19 bases into the intron before coding-DNA position 910, T replaced by A.
Molecular consequence: intron variant.
Genome position (GRCh38, 1-based): chr12:132,676,223, A>T on the plus strand (T>A on the coding strand, the complement: POLE is on the minus strand). VCF-style: chr12-132676223-A-T. GRCh37 (hg19) VCF-style: chr12-133252809-A-T.
Identifiers: ClinVar variation 2721148 (VCV002721148.3), dbSNP rs2136014263, ClinGen allele CA2697551617.